The following is an entry in ClinVar:

NM_006073.4(TRDN):c.1934T>G (p.Leu645Ter)

Gene: TRDN (triadin; minus strand). Cytogenetic location: 6q22.31.
Variant type: single nucleotide variant.
Coding change: c.1934T>G on transcript NM_006073.4 (MANE Select); coding-DNA position 1934, T replaced by G.
Protein change: p.Leu645Ter; replaces leucine 645 with a stop codon.
Molecular consequence: nonsense.
Genome position (GRCh38, 1-based): chr6:123,255,098, A>C on the plus strand (T>G on the coding strand, the complement: TRDN is on the minus strand). VCF-style: chr6-123255098-A-C. GRCh37 (hg19) VCF-style: chr6-123576243-A-C.
Other names: short protein forms L645*.
Identifiers: ClinVar variation 532311 (VCV000532311.7), dbSNP rs747836980, ClinGen allele CA3983695.
Genomic context (GRCh38, chr6:123,255,098, plus strand): 5'-TATGTTTTCATACAAACATAGTAGTTACGTAATTCAAGATTACCTTTTGTCACATTGTGT[A>C]ATTGAAGACTTTCTTTTCTTGTTGAGACTGTTAATAAGGAAAATGTAAATTAAAATATAA-3'

ClinVar aggregate classification (germline): Uncertain significance (1 of 4 stars; one submission).

Conditions:
Catecholaminergic polymorphic ventricular tachycardia 1. Also called: VENTRICULAR TACHYCARDIA, CATECHOLAMINERGIC POLYMORPHIC, 1, WITH OR WITHOUT ATRIAL DYSFUNCTION AND/OR DILATED CARDIOMYOPATHY; RYR2-Related Catecholaminergic Polymorphic Ventricular Tachycardia; VENTRICULAR TACHYCARDIA, STRESS-INDUCED POLYMORPHIC 1. Identifiers: Orphanet 3286, MedGen C1631597, MONDO:0011484, OMIM 604772.

Allele frequency attached by ClinVar (database versions not stated): TOPMed 0.00001; gnomAD 0.00002 and 0.00003; gnomAD exomes 0.00003; ExAC 0.00005.
gnomAD v4.1: 37 of 1,377,864 alleles (0.0027%); highest among the groups gnomAD compares: Non-Finnish European, 0.0036%; no homozygotes.

Submission:

Labcorp Genetics (formerly Invitae), Labcorp
Classification: Uncertain significance for Catecholaminergic polymorphic ventricular tachycardia 1. Last evaluated: 2021-08-26. Review status: criteria provided, single submitter. Criteria: Invitae Variant Classification Sherloc (09022015). Collection method: clinical testing. Allele origin: germline.
Comment: This sequence change creates a premature translational stop signal (p.Leu645*) in the TRDN gene. However, it is currently unclear if variants that occur in this region of the gene cause disease. This variant is present in population databases (rs747836980, ExAC 0.01%). This variant has not been reported in the literature in individuals affected with TRDN-related conditions. In summary, the available evidence is currently insufficient to determine the role of this variant in disease. Therefore, it has been classified as a Variant of Uncertain Significance.